The following is an entry in ClinVar:

NM_000081.4(LYST):c.7627+6A>G

Gene: LYST (lysosomal trafficking regulator; minus strand). Cytogenetic location: 1q42.3.
Variant type: single nucleotide variant.
Coding change: c.7627+6A>G on transcript NM_000081.4 (MANE Select); 6 bases into the intron after coding-DNA position 7627, A replaced by G.
Molecular consequence: intron variant.
Genome position (GRCh38, 1-based): chr1:235,751,999, T>C on the plus strand (A>G on the coding strand, the complement: LYST is on the minus strand). VCF-style: chr1-235751999-T-C. GRCh37 (hg19) VCF-style: chr1-235915299-T-C.
Other names: c.7627+6A>G (NM_001301365.1).
Identifiers: ClinVar variation 2128199 (VCV002128199.4), dbSNP rs749282192, ClinGen allele CA2580062337.

ClinVar aggregate classification (germline): Uncertain significance (1 of 4 stars; one submission).

Conditions:
Chédiak-Higashi syndrome (CHS). Also called: Chediak-Higashi Syndrome. Identifiers: Orphanet 167, MedGen C0007965, MONDO:0008963, OMIM 214500.

Submission:

Labcorp Genetics (formerly Invitae), Labcorp
Classification: Uncertain significance for Chédiak-Higashi syndrome. Last evaluated: 2022-04-20. Review status: criteria provided, single submitter. Criteria: Invitae Variant Classification Sherloc (09022015). Collection method: clinical testing. Allele origin: germline.
Comment: This sequence change falls in intron 27 of the LYST gene. It does not directly change the encoded amino acid sequence of the LYST protein. It affects a nucleotide within the consensus splice site. In summary, the available evidence is currently insufficient to determine the role of this variant in disease. Therefore, it has been classified as a Variant of Uncertain Significance. Variants that disrupt the consensus splice site are a relatively common cause of aberrant splicing (PMID: 17576681, 9536098). Algorithms developed to predict the effect of sequence changes on RNA splicing suggest that this variant may disrupt the consensus splice site. This variant has not been reported in the literature in individuals affected with LYST-related conditions. This variant is not present in population databases (gnomAD no frequency).

Literature cited by the submitters: PubMed 17576681; PubMed 9536098.